The following is an entry in ClinVar:

ClinVar aggregate classification (germline): Uncertain significance (1 of 4 stars; one submission).

Submission:

Ambry Genetics
Classification: Uncertain significance. Last evaluated: 2023-02-24. Review status: criteria provided, single submitter. Criteria: Ambry Variant Classification Scheme 2023. Collection method: clinical testing. Allele origin: germline.
Comment: The p.E107K variant (also known as c.319G>A), located in coding exon 3 of the BUB3 gene, results from a G to A substitution at nucleotide position 319. The glutamic acid at codon 107 is replaced by lysine, an amino acid with similar properties. This amino acid position is conserved. In addition, the in silico prediction for this alteration is inconclusive. Since supporting evidence is limited at this time, the clinical significance of this alteration remains unclear.

NM_004725.4(BUB3):c.319G>A (p.Glu107Lys)

Gene: BUB3 (BUB3 mitotic checkpoint protein; plus strand). Cytogenetic location: 10q26.13.
Variant type: single nucleotide variant.
Coding change: c.319G>A on transcript NM_004725.4 (MANE Select); coding-DNA position 319, G replaced by A.
Protein change: p.Glu107Lys; replaces glutamic acid 107 with lysine.
Molecular consequence: missense variant.
Genome position (GRCh38, 1-based): chr10:123,157,782, G>A. VCF-style: chr10-123157782-G-A. GRCh37 (hg19) VCF-style: chr10-124917298-G-A.
Other names: c.319G>A, p.Glu107Lys (NM_001007793.3); short protein forms E107K.
Identifiers: ClinVar variation 2496835 (VCV002496835.2), dbSNP rs2493759853, ClinGen allele CA378625444.
Genomic context (GRCh38, chr10:123,157,782, plus strand): 5'-TCTATAGAAAATCTTGTTGGGACCCATGATGCCCCTATCAGATGTGTTGAATACTGTCCA[G>A]AAGTGAATGTGATGGTCACTGGAAGTTGGGATCAGACAGTTAAACTGTGGGATCCCAGAA-3'
Protein context (NP_004716.1, residues 97-117): APIRCVEYCP[Glu107Lys]VNVMVTGSWD